The following is an entry in ClinVar:

NM_002905.5(RDH5):c.463C>T (p.Arg155Trp)

Genes: BLOC1S1-RDH5 (BLOC1S1-RDH5 readthrough; plus strand), RDH5 (retinol dehydrogenase 5; plus strand). Cytogenetic location: 12q13.2.
Variant type: single nucleotide variant.
Coding change: c.463C>T on transcript NM_002905.5 (MANE Select); coding-DNA position 463, C replaced by T.
Protein change: p.Arg155Trp; replaces arginine 155 with tryptophan.
Molecular consequence: missense variant. On other transcripts: non-coding transcript variant (1).
Genome position (GRCh38, 1-based): chr12:55,721,841, C>T. VCF-style: chr12-55721841-C-T. GRCh37 (hg19) VCF-style: chr12-56115625-C-T.
Other names: c.463C>T, p.Arg155Trp (NM_001199771.3); short protein forms R155W.
Identifiers: ClinVar variation 1382852 (VCV001382852.3), dbSNP rs746749499, ClinGen allele CA6616842.

ClinVar aggregate classification (germline): Uncertain significance. Review status: criteria provided, multiple submitters, no conflicts (2 of 4 stars). 2 submissions from 2 submitters: Uncertain significance (2). Last evaluated 2023-05-08.

Allele frequency attached by ClinVar (database versions not stated): TOPMed below 0.00001; ExAC 0.00001; gnomAD 0.00001; gnomAD exomes 0.00001 and 0.00002.
gnomAD v4.1: 11 of 1,613,932 alleles (0.00068%); highest among the groups gnomAD compares: Admixed American, 0.0033%; no homozygotes.

Submissions (2):

GeneDx
Classification: Uncertain significance. Last evaluated: 2023-05-08. Review status: criteria provided, single submitter. Criteria: GeneDx Variant Classification Process June 2021. Collection method: clinical testing. Allele origin: germline. Affected: yes.
Comment: In silico analysis supports that this missense variant has a deleterious effect on protein structure/function; Has not been previously published as pathogenic or benign to our knowledge

Labcorp Genetics (formerly Invitae), Labcorp
Classification: Uncertain significance. Last evaluated: 2022-04-15. Review status: criteria provided, single submitter. Criteria: Invitae Variant Classification Sherloc (09022015). Collection method: clinical testing. Allele origin: germline.
Comment: This sequence change replaces arginine, which is basic and polar, with tryptophan, which is neutral and slightly polar, at codon 155 of the RDH5 protein (p.Arg155Trp). This variant is present in population databases (rs746749499, gnomAD 0.006%). This variant has not been reported in the literature in individuals affected with RDH5-related conditions. Algorithms developed to predict the effect of missense changes on protein structure and function (SIFT, PolyPhen-2, Align-GVGD) all suggest that this variant is likely to be disruptive. In summary, the available evidence is currently insufficient to determine the role of this variant in disease. Therefore, it has been classified as a Variant of Uncertain Significance.